The following is an entry in ClinVar:

NM_000257.4(MYH7):c.5158-14C>T

Genes: MHRT (myosin heavy chain associated RNA transcript; plus strand), MYH7 (myosin heavy chain 7; minus strand), LOC126861897 (BRD4-independent group 4 enhancer GRCh37_chr14:23884455-23885654; plus strand). Cytogenetic location: 14q11.2.
Variant type: single nucleotide variant.
Coding change: c.5158-14C>T on transcript NM_000257.4 (MANE Select); 14 bases into the intron before coding-DNA position 5158, C replaced by T.
Molecular consequence: intron variant.
Genome position (GRCh38, 1-based): chr14:23,415,520, G>A on the plus strand (C>T on the coding strand, the complement: MYH7 is on the minus strand). VCF-style: chr14-23415520-G-A. GRCh37 (hg19) VCF-style: chr14-23884729-G-A.
Other names: c.5158-14C>T (NM_001407004.1).
Identifiers: ClinVar variation 3069721 (VCV003069721.1), dbSNP rs2502241532, ClinGen allele CA2624232769.

ClinVar aggregate classification (germline): Likely benign (1 of 4 stars; one submission).

Conditions:
Cardiomyopathy (CMYO). Also called: Cardiomyopathies. Identifiers: Orphanet 167848, MedGen C0878544, MONDO:0004994, HP:0001638. Inheritance: Various modes of inheritance.

Allele frequency attached by ClinVar (database versions not stated): gnomAD exomes below 0.00001.
gnomAD v4.1: 1 of 1,614,188 alleles (0.000062%); highest among the groups gnomAD compares: Non-Finnish European, 0.000085%; no homozygotes.

Submission:

All of Us Research Program, National Institutes of Health
Classification: Likely benign for Cardiomyopathy. Last evaluated: 2023-02-24. Review status: criteria provided, single submitter. Criteria: ACMG Guidelines, 2015. Collection method: clinical testing. Allele origin: germline. Inheritance: Autosomal dominant inheritance. Observed: 2 variant alleles, 2 heterozygotes.
Comment: This study involves interpretation of variants in research participants for the purpose of population health screening. Participant phenotype was not available at the time of variant classification. Additional details can be found in publication PMID: 35346344, PMCID: PMC8962531